The following is an entry in ClinVar:

NM_001563.4(IMPG1):c.127G>A (p.Glu43Lys)

Gene: IMPG1 (interphotoreceptor matrix proteoglycan 1; minus strand). Cytogenetic location: 6q14.1.
Variant type: single nucleotide variant.
Coding change: c.127G>A on transcript NM_001563.4 (MANE Select); coding-DNA position 127, G replaced by A.
Protein change: p.Glu43Lys; replaces glutamic acid 43 with lysine.
Molecular consequence: missense variant. On other transcripts: intron variant (1).
Genome position (GRCh38, 1-based): chr6:76,042,067, C>T on the plus strand (G>A on the coding strand, the complement: IMPG1 is on the minus strand). VCF-style: chr6-76042067-C-T. GRCh37 (hg19) VCF-style: chr6-76751784-C-T.
Other names: c.68-7280G>A (NM_001282368.2); short protein forms E43K.
Identifiers: ClinVar variation 1940734 (VCV001940734.5), dbSNP rs955477589, ClinGen allele CA141676661.

ClinVar aggregate classification (germline): Uncertain significance (1 of 4 stars; one submission).

Allele frequency attached by ClinVar (database versions not stated): TOPMed 0.00002; gnomAD 0.00003.

Submission:

Labcorp Genetics (formerly Invitae), Labcorp
Classification: Uncertain significance. Last evaluated: 2022-08-12. Review status: criteria provided, single submitter. Criteria: Invitae Variant Classification Sherloc (09022015). Collection method: clinical testing. Allele origin: germline.
Comment: In summary, the available evidence is currently insufficient to determine the role of this variant in disease. Therefore, it has been classified as a Variant of Uncertain Significance. Algorithms developed to predict the effect of missense changes on protein structure and function output the following: SIFT: "Deleterious"; PolyPhen-2: "Benign"; Align-GVGD: "Class C0". The lysine amino acid residue is found in multiple mammalian species, which suggests that this missense change does not adversely affect protein function. This variant has not been reported in the literature in individuals affected with IMPG1-related conditions. This variant is present in population databases (no rsID available, gnomAD 0.02%). This sequence change replaces glutamic acid, which is acidic and polar, with lysine, which is basic and polar, at codon 43 of the IMPG1 protein (p.Glu43Lys).